The following is an entry in ClinVar:

NM_000465.4(BARD1):c.629C>G (p.Thr210Ser)

Gene: BARD1 (BRCA1 associated RING domain 1; minus strand). Cytogenetic location: 2q35.
Variant type: single nucleotide variant.
Coding change: c.629C>G on transcript NM_000465.4 (MANE Select); coding-DNA position 629, C replaced by G.
Protein change: p.Thr210Ser; replaces threonine 210 with serine.
Molecular consequence: missense variant. On other transcripts: non-coding transcript variant (2), intron variant (3).
Genome position (GRCh38, 1-based): chr2:214,781,245, G>C on the plus strand (C>G on the coding strand, the complement: BARD1 is on the minus strand). VCF-style: chr2-214781245-G-C. GRCh37 (hg19) VCF-style: chr2-215645969-G-C.
Other names: c.572C>G, p.Thr191Ser (NM_001282543.2); c.158+28167C>G (NM_001282548.2); c.215+15816C>G (NM_001282545.2); c.364+11052C>G (NM_001282549.2); c.629C>G (NM_000465.2); short protein forms T210S, T191S.
Identifiers: ClinVar variation 923809 (VCV000923809.6), dbSNP rs1695008080, ClinGen allele CA350456645.

ClinVar aggregate classification (germline): Uncertain significance. Review status: criteria provided, multiple submitters, no conflicts (2 of 4 stars). 2 submissions from 2 submitters: Uncertain significance (2). Last evaluated 2023-12-04.

Conditions:
Hereditary cancer-predisposing syndrome. Also called: Neoplastic Syndromes, Hereditary; Tumor predisposition; Hereditary Cancer Syndrome; Hereditary neoplastic syndrome. Identifiers: Orphanet 140162, MedGen C0027672, MeSH D009386, MONDO:0015356.

Submissions (2):

Color Diagnostics, LLC DBA Color Health
Classification: Uncertain significance for Hereditary cancer-predisposing syndrome. Last evaluated: 2023-12-04. Review status: criteria provided, single submitter. Criteria: ACMG Guidelines, 2015. Collection method: clinical testing. Allele origin: germline.
Comment: This missense variant replaces threonine with serine at codon 210 of the BARD1 protein. Computational prediction suggests that this variant may not impact protein structure and function (internally defined REVEL score threshold <= 0.5, PMID: 27666373). To our knowledge, functional studies have not been reported for this variant. This variant has not been reported in individuals affected with BARD1-related disorders in the literature. This variant has not been identified in the general population by the Genome Aggregation Database (gnomAD). The available evidence is insufficient to determine the role of this variant in disease conclusively. Therefore, this variant is classified as a Variant of Uncertain Significance.

Ambry Genetics
Classification: Uncertain significance for Hereditary cancer-predisposing syndrome. Last evaluated: 2023-08-02. Review status: criteria provided, single submitter. Criteria: Ambry Variant Classification Scheme 2023. Collection method: clinical testing. Allele origin: germline.
Comment: The p.T210S variant (also known as c.629C>G), located in coding exon 4 of the BARD1 gene, results from a C to G substitution at nucleotide position 629. The threonine at codon 210 is replaced by serine, an amino acid with similar properties. This amino acid position is conserved. In addition, this alteration is predicted to be tolerated by in silico analysis. Since supporting evidence is limited at this time, the clinical significance of this alteration remains unclear.